The following is an entry in ClinVar:

NM_006514.4(SCN10A):c.238G>T (p.Glu80Ter)

Gene: SCN10A (sodium voltage-gated channel alpha subunit 10; minus strand). Cytogenetic location: 3p22.2.
Variant type: single nucleotide variant.
Coding change: c.238G>T on transcript NM_006514.4 (MANE Select); coding-DNA position 238, G replaced by T.
Protein change: p.Glu80Ter; replaces glutamic acid 80 with a stop codon.
Molecular consequence: nonsense.
Genome position (GRCh38, 1-based): chr3:38,793,773, C>A on the plus strand (G>T on the coding strand, the complement: SCN10A is on the minus strand). VCF-style: chr3-38793773-C-A. GRCh37 (hg19) VCF-style: chr3-38835264-C-A.
Other names: c.238G>T, p.Glu80Ter (NM_001293306.2, NM_001293307.2); short protein forms E80*.
Identifiers: ClinVar variation 2497139 (VCV002497139.2), dbSNP rs1053152886, ClinGen allele CA352162579.

ClinVar aggregate classification (germline): Uncertain significance (1 of 4 stars; one submission).

Conditions:
Cardiovascular phenotype. Identifiers: MedGen CN230736.

Submission:

Ambry Genetics
Classification: Uncertain significance for Cardiovascular phenotype. Last evaluated: 2023-02-14. Review status: criteria provided, single submitter. Criteria: Ambry Variant Classification Scheme 2023. Collection method: clinical testing. Allele origin: germline.
Comment: The p.E80* variant (also known as c.238G>T), located in coding exon 1 of the SCN10A gene, results from a G to T substitution at nucleotide position 238. This changes the amino acid from a glutamic acid to a stop codon within coding exon 1. This alteration is expected to result in loss of function by premature protein truncation or nonsense-mediated mRNA decay. However, the evidence for this gene-disease relationship is limited; therefore, the clinical significance of this alteration is unclear.